The following is an entry in ClinVar:

NM_001244710.2(GFPT1):c.232G>A (p.Asp78Asn)

Gene: GFPT1 (glutamine--fructose-6-phosphate transaminase 1; minus strand). Cytogenetic location: 2p13.3.
Variant type: single nucleotide variant.
Coding change: c.232G>A on transcript NM_001244710.2 (MANE Select); coding-DNA position 232, G replaced by A.
Protein change: p.Asp78Asn; replaces aspartic acid 78 with asparagine.
Molecular consequence: missense variant.
Genome position (GRCh38, 1-based): chr2:69,363,662, C>T on the plus strand (G>A on the coding strand, the complement: GFPT1 is on the minus strand). VCF-style: chr2-69363662-C-T. GRCh37 (hg19) VCF-style: chr2-69590794-C-T.
Other names: c.232G>A, p.Asp78Asn (NM_002056.4); short protein forms D78N.
Identifiers: ClinVar variation 4723724 (VCV004723724.1).

ClinVar aggregate classification (germline): Uncertain significance (1 of 4 stars; one submission).

Conditions:
Congenital myasthenic syndrome 12 (CMS12). Also called: MYASTHENIC SYNDROME, CONGENITAL, WITH TUBULAR AGGREGATES 1; Myasthenia, congenital, 12, with tubular aggregates. Identifiers: Orphanet 353327, Orphanet 590, MedGen C3552335, MONDO:0012518, OMIM 610542.

Submission:

Labcorp Genetics (formerly Invitae), Labcorp
Classification: Uncertain significance for Congenital myasthenic syndrome 12. Last evaluated: 2025-07-30. Review status: criteria provided, single submitter. Criteria: Invitae Variant Classification Sherloc (09022015). Collection method: clinical testing. Allele origin: germline.
Comment: This sequence change replaces aspartic acid, which is acidic and polar, with asparagine, which is neutral and polar, at codon 78 of the GFPT1 protein (p.Asp78Asn). This variant is not present in population databases (gnomAD no frequency). This variant has not been reported in the literature in individuals affected with GFPT1-related conditions. An algorithm developed to predict the effect of missense changes on protein structure and function (PolyPhen-2) suggests that this variant is likely to be tolerated. In summary, the available evidence is currently insufficient to determine the role of this variant in disease. Therefore, it has been classified as a Variant of Uncertain Significance.